The following is an entry in ClinVar:

ClinVar aggregate classification (germline): Uncertain significance (1 of 4 stars; one submission).

Conditions:
Cardiovascular phenotype. Identifiers: MedGen CN230736.

Submission:

Ambry Genetics
Classification: Uncertain significance for Cardiovascular phenotype. Last evaluated: 2023-01-22. Review status: criteria provided, single submitter. Criteria: Ambry Variant Classification Scheme 2023. Collection method: clinical testing. Allele origin: germline.
Comment: The p.G728V variant (also known as c.2183G>T), located in coding exon 41 of the TRDN gene, results from a G to T substitution at nucleotide position 2183. The glycine at codon 728 is replaced by valine, an amino acid with dissimilar properties. This amino acid position is conserved. In addition, this alteration is predicted to be tolerated by in silico analysis. Since supporting evidence is limited at this time, the clinical significance of this alteration remains unclear.

NM_006073.4(TRDN):c.2183G>T (p.Gly728Val)

Gene: TRDN (triadin; minus strand). Cytogenetic location: 6q22.31.
Variant type: single nucleotide variant.
Coding change: c.2183G>T on transcript NM_006073.4 (MANE Select); coding-DNA position 2183, G replaced by T.
Protein change: p.Gly728Val; replaces glycine 728 with valine.
Molecular consequence: missense variant.
Genome position (GRCh38, 1-based): chr6:123,218,608, C>A on the plus strand (G>T on the coding strand, the complement: TRDN is on the minus strand). VCF-style: chr6-123218608-C-A. GRCh37 (hg19) VCF-style: chr6-123539753-C-A.
Other names: short protein forms G728V.
Identifiers: ClinVar variation 2447980 (VCV002447980.2), dbSNP rs2534835975, ClinGen allele CA365564293.
Genomic context (GRCh38, chr6:123,218,608, plus strand): 5'-AAACATCACATTTTTAAAATCTTAAAGCACTTGTAAGGGTCATACATGTGTGTTTACTGT[C>A]CTTGTTGCTTCTGTCCTGGAGAATTTGCTTGACCAGAGCTCTCTCCAGGGCGGTCTGCAG-3'
Protein context (NP_006064.2, residues 718-729): QANSPGQKQQ[Gly728Val]Q